The following is an entry in ClinVar:

NM_005732.4(RAD50):c.3487A>G (p.Ile1163Val)

Genes: RAD50 (RAD50 double strand break repair protein; plus strand), TH2-LCR (Th2 cytokine locus control region; plus strand), TH2LCRR (T helper type 2 locus control region associated RNA; minus strand). Cytogenetic location: 5q31.1.
Variant type: single nucleotide variant.
Coding change: c.3487A>G on transcript NM_005732.4 (MANE Select); coding-DNA position 3487, A replaced by G.
Protein change: p.Ile1163Val; replaces isoleucine 1163 with valine.
Molecular consequence: missense variant. On other transcripts: non-coding transcript variant (2).
Genome position (GRCh38, 1-based): chr5:132,638,092, A>G. VCF-style: chr5-132638092-A-G. GRCh37 (hg19) VCF-style: chr5-131973784-A-G.
Other names: short protein forms I1163V.
Identifiers: ClinVar variation 5027692 (VCV005027692.1).

ClinVar aggregate classification (germline): Uncertain significance (1 of 4 stars; one submission).

Conditions:
Hereditary cancer-predisposing syndrome. Also called: Neoplastic Syndromes, Hereditary; Tumor predisposition; Hereditary neoplastic syndrome; Hereditary Cancer Syndrome. Identifiers: Orphanet 140162, MedGen C0027672, MeSH D009386, MONDO:0015356.

Submission:

Ambry Genetics
Classification: Uncertain significance for Hereditary cancer-predisposing syndrome. Last evaluated: 2026-07-26. Review status: criteria provided, single submitter. Criteria: Ambry Variant Classification Scheme 2023. Collection method: clinical testing. Allele origin: germline.
Comment: The p.I1163V variant (also known as c.3487A>G), located in coding exon 23 of the RAD50 gene, results from an A to G substitution at nucleotide position 3487. The isoleucine at codon 1163 is replaced by valine, an amino acid with highly similar properties. This amino acid position is conserved. In addition, this alteration is predicted to be tolerated by in silico analysis. Based on the available evidence, the clinical significance of this variant remains unclear.